The following is an entry in ClinVar:

ClinVar aggregate classification (germline): Uncertain significance (1 of 4 stars; one submission).

Conditions:
Rhabdoid tumor predisposition syndrome 2 (RTPS2). Identifiers: Orphanet 231108, Orphanet 69077, MedGen C2750074, MONDO:0013224, OMIM 613325.

Submission:

Labcorp Genetics (formerly Invitae), Labcorp
Classification: Uncertain significance for Rhabdoid tumor predisposition syndrome 2. Last evaluated: 2021-04-05. Review status: criteria provided, single submitter. Criteria: Invitae Variant Classification Sherloc (09022015). Collection method: clinical testing. Allele origin: germline.
Comment: This variant has not been reported in the literature in individuals with SMARCA4-related conditions. Algorithms developed to predict the effect of missense changes on protein structure and function (SIFT, PolyPhen-2, Align-GVGD) all suggest that this variant is likely to be disruptive, but these predictions have not been confirmed by published functional studies and their clinical significance is uncertain. In summary, the available evidence is currently insufficient to determine the role of this variant in disease. Therefore, it has been classified as a Variant of Uncertain Significance. This sequence change replaces valine with glycine at codon 1627 of the SMARCA4 protein (p.Val1627Gly). The valine residue is highly conserved and there is a moderate physicochemical difference between valine and glycine. This variant is not present in population databases (ExAC no frequency).

NM_003072.5(SMARCA4):c.4784T>G (p.Val1595Gly)

Gene: SMARCA4 (SWI/SNF related BAF chromatin remodeling complex subunit ATPase 4; plus strand). Cytogenetic location: 19p13.2.
Variant type: single nucleotide variant.
Coding change: c.4784T>G on transcript NM_003072.5 (MANE Select); coding-DNA position 4784, T replaced by G.
Protein change: p.Val1595Gly; replaces valine 1595 with glycine.
Molecular consequence: missense variant. On other transcripts: non-coding transcript variant (1).
Genome position (GRCh38, 1-based): chr19:11,060,060, T>G. VCF-style: chr19-11060060-T-G. GRCh37 (hg19) VCF-style: chr19-11170736-T-G.
Other names: c.4784T>G, p.Val1595Gly (NM_001128844.3); c.4694T>G, p.Val1565Gly (NM_001128845.2); c.4691T>G, p.Val1564Gly (NM_001128846.2); c.4685T>G, p.Val1562Gly (NM_001128847.4, NM_001374457.1); c.4682T>G, p.Val1561Gly (NM_001128848.2); c.4880T>G, p.Val1627Gly (NM_001128849.3, NM_001387283.1); short protein forms V1565G, V1562G, V1627G, V1561G, V1564G, V1595G.
Identifiers: ClinVar variation 1384955 (VCV001384955.8), dbSNP rs1600647899, ClinGen allele CA404080298.